The following is an entry in ClinVar:

ClinVar aggregate classification (germline): Uncertain significance. Review status: criteria provided, multiple submitters, no conflicts (2 of 4 stars). 2 submissions from 2 submitters: Uncertain significance (2). Last evaluated 2024-07-12.

Conditions:
Polycystic kidney disease, adult type (PKD1). Also called: Polycystic Kidney, Autosomal Dominant; POLYCYSTIC KIDNEY DISEASE 1 WITH OR WITHOUT POLYCYSTIC LIVER DISEASE; POLYCYSTIC KIDNEY DISEASE, ADULT, TYPE I; Polycystic Kidney Disease 1, Autosomal Dominant; Polycystic kidney disease 1; Polycystic kidney disease 1, severe. Identifiers: MedGen C3149841, MONDO:0008263, OMIM 173900.

Submissions (2):

MVZ Medizinische Genetik Mainz
Classification: Uncertain significance for Polycystic kidney disease, adult type. Last evaluated: 2024-07-12. Review status: criteria provided, single submitter. Criteria: UK Practice Guidelines For Variant Classification V4 01 2020. Collection method: clinical testing. Allele origin: germline. Inheritance: Autosomal dominant inheritance. Affected: yes. Observed: 1 variant allele.
Comment: ACMG Criteria: PM2_SUP,PP3,PP4

Fulgent Genetics
Classification: Uncertain significance for Polycystic kidney disease, adult type. Last evaluated: 2024-04-10. Review status: criteria provided, single submitter. Criteria: ACMG Guidelines, 2015. Collection method: clinical testing. Allele origin: germline.

NM_001009944.3(PKD1):c.11454C>T (p.Gly3818=)

Genes: PKD1 (polycystin 1, transient receptor potential channel interacting; minus strand), PKD1-AS1 (PKD1 antisense RNA 1; plus strand). Cytogenetic location: 16p13.3.
Variant type: single nucleotide variant.
Coding change: c.11454C>T on transcript NM_001009944.3 (MANE Select); coding-DNA position 11454, C replaced by T.
Protein change: p.Gly3818=; no amino-acid change (glycine 3818 retained).
Molecular consequence: synonymous variant.
Genome position (GRCh38, 1-based): chr16:2,091,864, G>A on the plus strand (C>T on the coding strand, the complement: PKD1 is on the minus strand). VCF-style: chr16-2091864-G-A. GRCh37 (hg19) VCF-style: chr16-2141865-G-A.
Other names: c.11451C>T, p.Gly3817= (NM_000296.4).
Identifiers: ClinVar variation 3338380 (VCV003338380.2).